The following is an entry in ClinVar:

NM_001365480.1(CCDC88A):c.1305_1306del (p.Gln435fs)

Gene: CCDC88A (coiled-coil and HOOK domain protein 88A; minus strand). Cytogenetic location: 2p16.1.
Variant type: Deletion.
Coding change: c.1305_1306del on transcript NM_001365480.1 (MANE Select); coding-DNA positions 1305 to 1306, 2 bases deleted (GA; older notation c.1305_1306delGA).
Protein change: p.Gln435fs; shifts the reading frame from glutamine 435.
Molecular consequence: frameshift variant.
Genome position (GRCh38, 1-based): chr2:55,343,675-55,343,676, TC deleted on the plus strand (GA on the coding strand, the reverse complement: CCDC88A is on the minus strand); deleting any 2 consecutive bases within chr2:55,343,675-55,343,677 gives the same sequence; the c. name uses the placement nearest the transcript's 3' end. VCF-style (leftmost placement, unchanged base first): chr2-55343674-ATC-A. GRCh37 (hg19) VCF-style: chr2-55570810-ATC-A.
Other names: c.1305_1306del, p.Gln435fs (NM_001135597.2, NM_001254943.2, NM_018084.5); short protein forms Q435fs.
Identifiers: ClinVar variation 1434940 (VCV001434940.6), dbSNP rs2104720906, ClinGen allele CA2573135036.

ClinVar aggregate classification (germline): Pathogenic (1 of 4 stars; one submission).

Submission:

Labcorp Genetics (formerly Invitae), Labcorp
Classification: Pathogenic. Last evaluated: 2021-04-25. Review status: criteria provided, single submitter. Criteria: Invitae Variant Classification Sherloc (09022015). Collection method: clinical testing. Allele origin: germline.
Comment: For these reasons, this variant has been classified as Pathogenic. This variant has not been reported in the literature in individuals with CCDC88A-related conditions. This variant is not present in population databases (ExAC no frequency). This sequence change creates a premature translational stop signal (p.Gln435Hisfs*5) in the CCDC88A gene. It is expected to result in an absent or disrupted protein product. Loss-of-function variants in CCDC88A are known to be pathogenic (PMID: 26917597, 30392057).

Literature cited by the submitters: PubMed 26917597; PubMed 30392057.